The following is an entry in ClinVar:

ClinVar aggregate classification (germline): Likely benign. Review status: criteria provided, multiple submitters, no conflicts (2 of 4 stars). 3 submissions from 3 submitters: Likely benign (3). Last evaluated 2025-06-13.

Conditions:
Developmental and epileptic encephalopathy, 30 (DEE30). Also called: Epileptic encephalopathy, early infantile, 30. Identifiers: MedGen C4225360, MONDO:0014595, OMIM 616341.

Allele frequency attached by ClinVar (database versions not stated): ExAC 0.00001.

Submissions (3):

Mayo Clinic Laboratories, Mayo Clinic
Classification: Likely benign. Last evaluated: 2025-06-13. Review status: criteria provided, single submitter. Criteria: ACMG Guidelines, 2015. Collection method: clinical testing. Allele origin: germline. Observed: 1 variant allele.
Comment: BP4, BP7

Labcorp Genetics (formerly Invitae), Labcorp
Classification: Likely benign for Developmental and epileptic encephalopathy, 30. Last evaluated: 2023-12-22. Review status: criteria provided, single submitter. Criteria: Invitae Variant Classification Sherloc (09022015). Collection method: clinical testing. Allele origin: germline.

Blueprint Genetics
Classification: Likely benign. Last evaluated: 2023-09-05. Review status: criteria provided, single submitter. Criteria: ACMG Guidelines, 2015. Collection method: clinical testing. Allele origin: germline.

NM_173354.5(SIK1):c.645C>T (p.Tyr215=)

Gene: SIK1 (salt inducible kinase 1; minus strand). Cytogenetic location: 21q22.3.
Variant type: single nucleotide variant.
Coding change: c.645C>T on transcript NM_173354.5 (MANE Select); coding-DNA position 645, C replaced by T.
Protein change: p.Tyr215=; no amino-acid change (tyrosine 215 retained).
Molecular consequence: synonymous variant.
Genome position (GRCh38, 1-based): chr21:43,421,113, G>A on the plus strand (C>T on the coding strand, the complement: SIK1 is on the minus strand). VCF-style: chr21-43421113-G-A. GRCh37 (hg19) VCF-style: chr21-44840993-G-A.
Other names: p.Tyr215=.
Identifiers: ClinVar variation 2909526 (VCV002909526.5), dbSNP rs750745176, ClinGen allele CA321327464.
Genomic context (GRCh38, chr21:43,421,113, plus strand): 5'-CCGCTGTCTCAGCGTCGGCAGGTTAGGCCCATCGAAGGGGAGAGAACCGCAGACCAGGAC[G>A]TACAGCACCACGCCCAGGCTCTGTTGAGGACCACAGAGCCACATCAGCGCCAGGGCGGTG-3'
Protein context (NP_775490.2, residues 205-225): LDIWSLGVVL[Tyr215=]VLVCGSLPFD